The following is an entry in ClinVar:

ClinVar aggregate classification (germline): Benign/Likely benign. Review status: criteria provided, multiple submitters, no conflicts (2 of 4 stars). 4 submissions from 4 submitters: Benign (1); Likely benign (2). 1 of the submissions does not count toward it. Last evaluated 2026-01-05.

Conditions:
DOCK6-related disorder. Also called: DOCK6-related condition.

Allele frequency attached by ClinVar (database versions not stated): gnomAD exomes 0.00042; ExAC 0.00051; 1000 Genomes Project 0.00100; 1000 Genomes Project 30x 0.00125; ESP Exome Variant Server 0.00195; TOPMed 0.00195.
gnomAD v4.1: 538 of 1,608,164 alleles (0.033%); highest among the groups gnomAD compares: African/African-American, 0.66%; 1 homozygote.

Submissions (4):

Labcorp Genetics (formerly Invitae), Labcorp
Classification: Benign. Last evaluated: 2026-01-05. Review status: criteria provided, single submitter. Criteria: Invitae Variant Classification Sherloc (09022015). Collection method: clinical testing. Allele origin: germline.

Blueprint Genetics
Classification: Likely benign. Last evaluated: 2024-11-13. Review status: criteria provided, single submitter. Criteria: ACMG Guidelines, 2015. Collection method: clinical testing. Allele origin: germline.

Eurofins Ntd Llc (ga)
Classification: Likely benign. Last evaluated: 2018-05-16. Review status: criteria provided, single submitter. Criteria: EGL ClinVar v180209 classification definitions. Collection method: clinical testing. Allele origin: germline. Observed: 1 variant allele, 1 heterozygote.

PreventionGenetics, part of Exact Sciences
Classification: Likely benign for DOCK6-related condition. Last evaluated: 2023-07-30. Review status: no assertion criteria provided. Collection method: clinical testing. Allele origin: germline. Not counted in ClinVar's aggregate classification.
Comment: This variant is classified as likely benign based on ACMG/AMP sequence variant interpretation guidelines (Richards et al. 2015 PMID: 25741868, with internal and published modifications).

NM_020812.4(DOCK6):c.5088+8C>G

Genes: DOCK6 (dedicator of cytokinesis 6; minus strand), DOCK6-AS1 (DOCK6 antisense RNA 1; plus strand). Cytogenetic location: 19p13.2.
Variant type: single nucleotide variant.
Coding change: c.5088+8C>G on transcript NM_020812.4 (MANE Select); 8 bases into the intron after coding-DNA position 5088, C replaced by G.
Molecular consequence: intron variant.
Genome position (GRCh38, 1-based): chr19:11,208,678, G>C on the plus strand (C>G on the coding strand, the complement: DOCK6 is on the minus strand). VCF-style: chr19-11208678-G-C. GRCh37 (hg19) VCF-style: chr19-11319354-G-C.
Other names: c.5193+8C>G (NM_001367830.1).
Identifiers: ClinVar variation 597280 (VCV000597280.18), dbSNP rs147181483, ClinGen allele CA9206639.